The following is an entry in ClinVar:

ClinVar aggregate classification (germline): Uncertain significance (1 of 4 stars; one submission).

Conditions:
Dilated cardiomyopathy 1DD (CMD1DD). Identifiers: Orphanet 154, MedGen C2750995, MONDO:0013168, OMIM 613172.

Allele frequency attached by ClinVar (database versions not stated): gnomAD exomes below 0.00001; TOPMed below 0.00001; gnomAD 0.00001.
gnomAD v4.1: 3 of 1,551,810 alleles (0.00019%); highest among the groups gnomAD compares: Non-Finnish European, 0.00026%; no homozygotes.

Submission:

Labcorp Genetics (formerly Invitae), Labcorp
Classification: Uncertain significance for Dilated cardiomyopathy 1DD. Last evaluated: 2024-11-02. Review status: criteria provided, single submitter. Criteria: Invitae Variant Classification Sherloc (09022015). Collection method: clinical testing. Allele origin: germline.
Comment: This sequence change replaces aspartic acid, which is acidic and polar, with histidine, which is basic and polar, at codon 956 of the RBM20 protein (p.Asp956His). This variant is not present in population databases (gnomAD no frequency). This variant has not been reported in the literature in individuals affected with RBM20-related conditions. ClinVar contains an entry for this variant (Variation ID: 2838085). Invitae Evidence Modeling of protein sequence and biophysical properties (such as structural, functional, and spatial information, amino acid conservation, physicochemical variation, residue mobility, and thermodynamic stability) indicates that this missense variant is not expected to disrupt RBM20 protein function with a negative predictive value of 95%. In summary, the available evidence is currently insufficient to determine the role of this variant in disease. Therefore, it has been classified as a Variant of Uncertain Significance.

NM_001134363.3(RBM20):c.2866G>C (p.Asp956His)

Gene: RBM20 (RNA binding motif protein 20; plus strand). Cytogenetic location: 10q25.2.
Variant type: single nucleotide variant.
Coding change: c.2866G>C on transcript NM_001134363.3 (MANE Select); coding-DNA position 2866, G replaced by C.
Protein change: p.Asp956His; replaces aspartic acid 956 with histidine.
Molecular consequence: missense variant.
Genome position (GRCh38, 1-based): chr10:110,821,485, G>C. VCF-style: chr10-110821485-G-C. GRCh37 (hg19) VCF-style: chr10-112581243-G-C.
Other names: short protein forms D956H.
Identifiers: ClinVar variation 2838085 (VCV002838085.3), dbSNP rs1844908931, ClinGen allele CA378378159.
Genomic context (GRCh38, chr10:110,821,485, plus strand): 5'-GACCAGAAAGACAAAATTTGCCCAGAAACATGTCTGTGTGTGACAACCACCTTAGACTTA[G>C]ACCTGGCCCAGGATTTCCCCAAGGAAGGAGTCAAGGCCGTAGGGAATGGGGCTGCAGAAA-3'
Protein context (NP_001127835.2, residues 946-966): CLCVTTTLDL[Asp956His]LAQDFPKEGV